The following is an entry in ClinVar:

NM_000268.4(NF2):c.1147C>G (p.Leu383Val)

Gene: NF2 (NF2, moesin-ezrin-radixin like (MERLIN) tumor suppressor; plus strand). Cytogenetic location: 22q12.2.
Variant type: single nucleotide variant.
Coding change: c.1147C>G on transcript NM_000268.4 (MANE Select); coding-DNA position 1147, C replaced by G.
Protein change: p.Leu383Val; replaces leucine 383 with valine.
Molecular consequence: missense variant. On other transcripts: intron variant (1).
Genome position (GRCh38, 1-based): chr22:29,673,293, C>G. VCF-style: chr22-29673293-C-G. GRCh37 (hg19) VCF-style: chr22-30069282-C-G.
Other names: c.1033C>G, p.Leu345Val (NM_001407053.1, NM_001407056.1); c.1024C>G, p.Leu342Val (NM_001407054.1, NM_001407058.1, NM_181829.3); c.1021C>G, p.Leu341Val (NM_001407055.1, NM_181828.3); c.1012C>G, p.Leu338Val (NM_001407057.1, NM_001407059.1); c.1147C>G, p.Leu383Val (NM_001407060.1, NM_001407066.1, NM_016418.5 and 2 more transcripts); c.889C>G, p.Leu297Val (NM_001407062.1); c.898C>G, p.Leu300Val (NM_001407063.1, NM_001407064.1, NM_181830.3 and 1 more transcripts); c.613C>G, p.Leu205Val (NM_001407065.1); and 2 more; short protein forms L300V, L338V, L345V, L306V, L341V, L383V, L205V, L297V.
Identifiers: ClinVar variation 3919141 (VCV003919141.1).
Genomic context (GRCh38, chr22:29,673,293, plus strand): 5'-TGATCCCACTTCAGCTAAGAGCACTGTGCCCTCCAGATGCGGTCTGAGGAGACAGCTGAC[C>G]TGTTGGCTGAAAAGGCCCAGATCACCGAGGAGGAGGCAAAACTTCTGGCCCAGAAGGCCG-3'
Protein context (NP_000259.1, residues 373-393): ALMRSEETAD[Leu383Val]LAEKAQITEE

ClinVar aggregate classification (germline): Uncertain significance (1 of 4 stars; one submission).

Conditions:
Hereditary cancer-predisposing syndrome. Also called: Hereditary Cancer Syndrome; Hereditary neoplastic syndrome; Neoplastic Syndromes, Hereditary; Tumor predisposition. Identifiers: Orphanet 140162, MedGen C0027672, MeSH D009386, MONDO:0015356.

Submission:

Ambry Genetics
Classification: Uncertain significance for Hereditary cancer-predisposing syndrome. Last evaluated: 2025-04-17. Review status: criteria provided, single submitter. Criteria: Ambry Variant Classification Scheme 2023. Collection method: clinical testing. Allele origin: germline.
Comment: The p.L383V variant (also known as c.1147C>G), located in coding exon 12 of the NF2 gene, results from a C to G substitution at nucleotide position 1147. The leucine at codon 383 is replaced by valine, an amino acid with highly similar properties. This amino acid position is conserved. In addition, the in silico prediction for this alteration is inconclusive. Based on the available evidence, the clinical significance of this variant remains unclear.